The following is an entry in ClinVar:

ClinVar aggregate classification (germline): Pathogenic. Review status: criteria provided, multiple submitters, no conflicts (2 of 4 stars). 2 submissions from 2 submitters: Pathogenic (2). Last evaluated 2026-03-12.

Conditions:
Retinoblastoma (RB1). Also called: RETINOBLASTOMA, SOMATIC. Identifiers: Orphanet 790, MedGen C0035335, MeSH D012175, MONDO:0008380, OMIM 180200, HP:0009919. Disease mechanism: loss of function. Inheritance: Both sporadic and heritable forms are tested..

Submissions (2):

GeneDx
Classification: Pathogenic. Last evaluated: 2026-03-12. Review status: criteria provided, single submitter. Criteria: GeneDx Variant Classification Process June 2021. Collection method: clinical testing. Allele origin: germline.
Comment: Canonical splice site variant predicted to result in an in-frame loss of the adjacent exon in a gene for which loss of function is a known mechanism of disease; Not observed at significant frequency in large population cohorts (gnomAD); This variant is associated with the following publications: (PMID: 25525159, 37025945, 12187430, 39778672, 20447117)

Genetic Diagnostic Laboratory, University of Pennsylvania School of Medicine
Classification: Pathogenic for Retinoblastoma. Last evaluated: 2024-05-20. Review status: criteria provided, single submitter. Criteria: ACMG Guidelines, 2015. Collection method: clinical testing. Allele origin: germline. Affected: yes. Observed: 2 variant alleles.
Comment: Case and Pedigree Information: BILATERAL CASES:2, UNILATERAL CASES:0, TOTAL CASES:2, PEDIGREES:2. ACMG Codes Applied:PVS1, PM2

NM_000321.3(RB1):c.1389+2T>C

Gene: RB1 (RB transcriptional corepressor 1; plus strand). Cytogenetic location: 13q14.2.
Variant type: single nucleotide variant.
Coding change: c.1389+2T>C on transcript NM_000321.3 (MANE Select); the canonical splice donor site of the intron after coding-DNA position 1389, T replaced by C.
Molecular consequence: splice donor variant.
Genome position (GRCh38, 1-based): chr13:48,379,652, T>C. VCF-style: chr13-48379652-T-C. GRCh37 (hg19) VCF-style: chr13-48953788-T-C.
Other names: c.1389+2T>C (NM_001407165.1, NM_001407166.1).
Identifiers: ClinVar variation 3236977 (VCV003236977.2), dbSNP rs2542203051.